The following is an entry in ClinVar:

NM_015021.3(ZNF292):c.7293C>T (p.Cys2431=)

Gene: ZNF292 (zinc finger protein 292; plus strand). Cytogenetic location: 6q14.3.
Variant type: single nucleotide variant.
Coding change: c.7293C>T on transcript NM_015021.3 (MANE Select); coding-DNA position 7293, C replaced by T.
Protein change: p.Cys2431=; no amino-acid change (cysteine 2431 retained).
Molecular consequence: synonymous variant.
Genome position (GRCh38, 1-based): chr6:87,260,922, C>T. VCF-style: chr6-87260922-C-T. GRCh37 (hg19) VCF-style: chr6-87970640-C-T.
Other names: c.6873C>T, p.Cys2291= (NM_001351444.2).
Identifiers: ClinVar variation 3389114 (VCV003389114.14).
Genomic context (GRCh38, chr6:87,260,922, plus strand): 5'-ATTATCTAAGGCATTTACATCACAACACCGAAATCTTCTTATTGTATTCAAACGGTGTTG[C>T]AACTCACAAGTAAAGGAAACGTCTGAGCAAGAAGGTGCTAAGAATGATGTGAAAGATTCT-3'
Protein context (NP_055836.1, residues 2421-2441): RNLLIVFKRC[Cys2431=]NSQVKETSEQ

ClinVar aggregate classification (germline): Likely benign (1 of 4 stars; one submission).

gnomAD v4.1: 19 of 1,610,688 alleles (0.0012%); highest among the groups gnomAD compares: Non-Finnish European, 0.0015%; no homozygotes.

Submission:

CeGaT Center for Human Genetics Tuebingen
Classification: Likely benign. Last evaluated: 2024-11-01. Review status: criteria provided, single submitter. Criteria: CeGaT Center For Human Genetics Tuebingen Variant Classification Criteria Version 2. Collection method: clinical testing. Allele origin: germline. Affected: yes. Observed: 1 variant allele.
Comment: ZNF292: BP4, BP7